The following is an entry in ClinVar:

NM_001128178.3(NPHP1):c.973C>T (p.Arg325Cys)

Gene: NPHP1 (nephrocystin 1; minus strand). Cytogenetic location: 2q13.
Variant type: single nucleotide variant.
Coding change: c.973C>T on transcript NM_001128178.3 (MANE Select); coding-DNA position 973, C replaced by T.
Protein change: p.Arg325Cys; replaces arginine 325 with cysteine.
Molecular consequence: missense variant.
Genome position (GRCh38, 1-based): chr2:110,160,237, G>A on the plus strand (C>T on the coding strand, the complement: NPHP1 is on the minus strand). VCF-style: chr2-110160237-G-A. GRCh37 (hg19) VCF-style: chr2-110917814-G-A.
Other names: c.1141C>T (NM_000272.3); c.1141C>T, p.Arg381Cys (NM_000272.5); c.784C>T, p.Arg262Cys (NM_001128179.3); c.970C>T, p.Arg324Cys (NM_001374256.1); c.973C>T, p.Arg325Cys (NM_001374257.1); c.1138C>T, p.Arg380Cys (NM_207181.4); short protein forms R262C, R324C, R325C, R380C, R381C.
Identifiers: ClinVar variation 1015180 (VCV001015180.3), dbSNP rs748435719, ClinGen allele CA1827153.
Genomic context (GRCh38, chr2:110,160,237, plus strand): 5'-TGCTCATTCCTGGAAGAGGAATCATTTTACAGCTCCATAATGTCAGAATCAATGAAATAC[G>A]ACTTGGTCTCGACCTAATCTGAAAGAAAAATTAGTTATAAAAAAGTTTATTTTTATGATT-3'
Protein context (NP_001121650.1, residues 315-335): TEGTIRSRPS[Arg325Cys]ISLILTLWSC

ClinVar aggregate classification (germline): Uncertain significance. Review status: criteria provided, multiple submitters, no conflicts (2 of 4 stars). 2 submissions from 2 submitters: Uncertain significance (2). Last evaluated 2025-01-16.

Conditions:
NPHP1-related disorder. Also called: NPHP1-related disorders; NPHP1-related condition.
Nephronophthisis. Also called: Juvenile Nephronophthisis. Identifiers: Orphanet 655, MedGen C0687120, MONDO:0019005, HP:0000090.

Allele frequency attached by ClinVar (database versions not stated): gnomAD 0.00001; TOPMed 0.00001; gnomAD exomes 0.00002; ExAC 0.00003.
gnomAD v4.1: 9 of 1,610,318 alleles (0.00056%); highest among the groups gnomAD compares: Admixed American, 0.0067%; no homozygotes.

Submissions (2):

PreventionGenetics, part of Exact Sciences
Classification: Uncertain significance for NPHP1-related condition. Last evaluated: 2025-01-16. Review status: criteria provided, single submitter. Criteria: ACMG Guidelines, 2015. Collection method: clinical testing. Allele origin: germline.
Comment: The NPHP1 c.1141C>T variant is predicted to result in the amino acid substitution p.Arg381Cys. To our knowledge, this variant has not been reported in the literature. This variant is reported in 0.0058% of alleles in individuals of Latino descent in gnomAD. At this time, the clinical significance of this variant is uncertain due to the absence of conclusive functional and genetic evidence.

Labcorp Genetics (formerly Invitae), Labcorp
Classification: Uncertain significance for Nephronophthisis. Last evaluated: 2022-08-22. Review status: criteria provided, single submitter. Criteria: Invitae Variant Classification Sherloc (09022015). Collection method: clinical testing. Allele origin: germline.
Comment: This sequence change replaces arginine, which is basic and polar, with cysteine, which is neutral and slightly polar, at codon 381 of the NPHP1 protein (p.Arg381Cys). This variant is present in population databases (rs748435719, gnomAD 0.006%). This variant has not been reported in the literature in individuals affected with NPHP1-related conditions. ClinVar contains an entry for this variant (Variation ID: 1015180). Algorithms developed to predict the effect of missense changes on protein structure and function (SIFT, PolyPhen-2, Align-GVGD) all suggest that this variant is likely to be disruptive. In summary, the available evidence is currently insufficient to determine the role of this variant in disease. Therefore, it has been classified as a Variant of Uncertain Significance.